The following is an entry in ClinVar:

ClinVar aggregate classification (germline): Uncertain significance. Review status: criteria provided, multiple submitters, no conflicts (2 of 4 stars). 2 submissions from 2 submitters: Uncertain significance (2). Last evaluated 2024-07-11.

Conditions:
Eichsfeld type congenital muscular dystrophy (CMYO3). Also called: MYOPATHY, SEPN1-RELATED; SELENON-related myopathy; Congenital myopathy 3 with rigid spine; Rigid spine muscular dystrophy 1. Identifiers: MedGen C0410180, MONDO:0100100, OMIM 602771.

Allele frequency attached by ClinVar (database versions not stated): gnomAD exomes below 0.00001; TOPMed below 0.00001; gnomAD 0.00001.
gnomAD v4.1: 4 of 1,613,550 alleles (0.00025%); highest among the groups gnomAD compares: Middle Eastern, 0.017%; no homozygotes.

Submissions (2):

Revvity Omics, Revvity
Classification: Uncertain significance for Eichsfeld type congenital muscular dystrophy. Last evaluated: 2024-07-11. Review status: criteria provided, single submitter. Criteria: ACMG Guidelines, 2015. Collection method: clinical testing. Allele origin: germline.

Labcorp Genetics (formerly Invitae), Labcorp
Classification: Uncertain significance for Eichsfeld type congenital muscular dystrophy. Last evaluated: 2023-11-27. Review status: criteria provided, single submitter. Criteria: Invitae Variant Classification Sherloc (09022015). Collection method: clinical testing. Allele origin: germline.
Comment: This sequence change replaces leucine, which is neutral and non-polar, with proline, which is neutral and non-polar, at codon 446 of the SELENON protein (p.Leu446Pro). This variant is present in population databases (no rsID available, gnomAD 0.002%). This variant has not been reported in the literature in individuals affected with SELENON-related conditions. ClinVar contains an entry for this variant (Variation ID: 1345446). Advanced modeling of protein sequence and biophysical properties (such as structural, functional, and spatial information, amino acid conservation, physicochemical variation, residue mobility, and thermodynamic stability) has been performed at Invitae for this missense variant, however the output from this modeling did not meet the statistical confidence thresholds required to predict the impact of this variant on SELENON protein function. In summary, the available evidence is currently insufficient to determine the role of this variant in disease. Therefore, it has been classified as a Variant of Uncertain Significance.

NM_206926.2(SELENON):c.1235T>C (p.Leu412Pro)

Gene: SELENON (selenoprotein N; plus strand). Cytogenetic location: 1p36.11.
Variant type: single nucleotide variant.
Coding change: c.1235T>C on transcript NM_206926.2 (MANE Select); coding-DNA position 1235, T replaced by C.
Protein change: p.Leu412Pro; replaces leucine 412 with proline.
Molecular consequence: missense variant.
Genome position (GRCh38, 1-based): chr1:25,812,742, T>C. VCF-style: chr1-25812742-T-C. GRCh37 (hg19) VCF-style: chr1-26139233-T-C.
Other names: c.1337T>C, p.Leu446Pro (NM_020451.3); short protein forms L446P, L412P.
Identifiers: ClinVar variation 1345446 (VCV001345446.7), dbSNP rs1257737257, ClinGen allele CA339117787.